The following is an entry in ClinVar:

ClinVar aggregate classification (germline): Pathogenic (1 of 4 stars; one submission).

Conditions:
Spastic paraplegia. Identifiers: MedGen C0037772, HP:0001258.

Submission:

Labcorp Genetics (formerly Invitae), Labcorp
Classification: Pathogenic for Spastic paraplegia. Last evaluated: 2023-04-11. Review status: criteria provided, single submitter. Criteria: Invitae Variant Classification Sherloc (09022015). Collection method: clinical testing. Allele origin: germline.
Comment: This variant has not been reported in the literature in individuals affected with CYP7B1-related conditions. Information on the frequency of this variant in the gnomAD database is not available, as this variant may be reported differently in the database. This sequence change creates a premature translational stop signal (p.Glu166*) in the CYP7B1 gene. It is expected to result in an absent or disrupted protein product. Loss-of-function variants in CYP7B1 are known to be pathogenic (PMID: 9802883, 19363635, 19439420, 21541746, 21567895, 28039895). For these reasons, this variant has been classified as Pathogenic.

Literature cited by the submitters: PubMed 9802883; PubMed 19363635; PubMed 19439420; PubMed 21541746; PubMed 21567895; PubMed 28039895.

NM_004820.5(CYP7B1):c.496_497delinsTG (p.Glu166Ter)

Gene: CYP7B1 (cytochrome P450 family 7 subfamily B member 1; minus strand). Cytogenetic location: 8q12.3.
Variant type: Indel.
Coding change: c.496_497delinsTG on transcript NM_004820.5 (MANE Select); coding-DNA positions 496 to 497, GA replaced by TG.
Protein change: p.Glu166Ter; replaces glutamic acid 166 with a stop codon.
Molecular consequence: nonsense.
Genome position (GRCh38, 1-based): chr8:64,616,044-64,616,045, TC replaced by CA on the plus strand (GA replaced by TG on the coding strand, the reverse complement: CYP7B1 is on the minus strand). VCF-style: chr8-64616044-TC-CA. GRCh37 (hg19) VCF-style: chr8-65528601-TC-CA.
Other names: c.496_497delinsTG, p.Glu166Ter (NM_001324112.2); short protein forms E166*.
Identifiers: ClinVar variation 2855000 (VCV002855000.3), dbSNP rs2487191561, ClinGen allele CA2739268835.